The following is an entry in ClinVar:

ClinVar aggregate classification (germline): Uncertain significance. Review status: criteria provided, single submitter (1 of 4 stars). 2 submissions from 2 submitters: Uncertain significance (1). 1 of the submissions does not count toward it. Last evaluated 2025-04-10.

Conditions:
Inborn genetic diseases. Identifiers: MedGen C0950123, MeSH D030342.
CLPP-related disorder. Also called: CLPP-related condition.

Allele frequency attached by ClinVar (database versions not stated): gnomAD exomes below 0.00001.
gnomAD v4.1: 2 of 1,613,062 alleles (0.00012%); highest among the groups gnomAD compares: Non-Finnish European, 0.00017%; no homozygotes.

Submissions (2):

Ambry Genetics
Classification: Uncertain significance for Inborn genetic diseases. Last evaluated: 2025-04-10. Review status: criteria provided, single submitter. Criteria: Ambry Variant Classification Scheme 2023. Collection method: clinical testing. Allele origin: germline.

PreventionGenetics, part of Exact Sciences
Classification: Uncertain significance for CLPP-related condition. Last evaluated: 2024-01-22. Review status: no assertion criteria provided. Collection method: clinical testing. Allele origin: germline. Not counted in ClinVar's aggregate classification.
Comment: The CLPP c.481G>A variant is predicted to result in the amino acid substitution p.Ala161Thr. To our knowledge, this variant has not been reported in the literature or in a large population database, indicating this variant is rare. At this time, the clinical significance of this variant is uncertain due to the absence of conclusive functional and genetic evidence.

NM_006012.4(CLPP):c.481G>A (p.Ala161Thr)

Gene: CLPP (caseinolytic mitochondrial matrix peptidase proteolytic subunit; plus strand). Cytogenetic location: 19p13.3.
Variant type: single nucleotide variant.
Coding change: c.481G>A on transcript NM_006012.4 (MANE Select); coding-DNA position 481, G replaced by A.
Protein change: p.Ala161Thr; replaces alanine 161 with threonine.
Molecular consequence: missense variant.
Genome position (GRCh38, 1-based): chr19:6,364,565, G>A. VCF-style: chr19-6364565-G-A. GRCh37 (hg19) VCF-style: chr19-6364576-G-A.
Other names: short protein forms A161T.
Identifiers: ClinVar variation 3044127 (VCV003044127.3), dbSNP rs1310040955, ClinGen allele CA403589780.